The following is an entry in ClinVar:

ClinVar aggregate classification (germline): Uncertain significance. Review status: criteria provided, multiple submitters, no conflicts (2 of 4 stars). 2 submissions from 2 submitters: Uncertain significance (2). Last evaluated 2025-08-11.

Conditions:
Inborn genetic diseases. Identifiers: MedGen C0950123, MeSH D030342.

Allele frequency attached by ClinVar (database versions not stated): ExAC 0.00001; gnomAD exomes 0.00001; TOPMed 0.00002; gnomAD 0.00003.
gnomAD v4.1: 21 of 1,614,056 alleles (0.0013%); highest among the groups gnomAD compares: African/African-American, 0.0053%; no homozygotes.

Submissions (2):

Ambry Genetics
Classification: Uncertain significance for Inborn genetic diseases. Last evaluated: 2025-08-11. Review status: criteria provided, single submitter. Criteria: Ambry Variant Classification Scheme 2023. Collection method: clinical testing. Allele origin: germline.

Labcorp Genetics (formerly Invitae), Labcorp
Classification: Uncertain significance. Last evaluated: 2021-08-14. Review status: criteria provided, single submitter. Criteria: Invitae Variant Classification Sherloc (09022015). Collection method: clinical testing. Allele origin: germline.
Comment: This sequence change replaces arginine with glutamine at codon 500 of the DZIP1L protein (p.Arg500Gln). The arginine residue is moderately conserved and there is a small physicochemical difference between arginine and glutamine. This variant is present in population databases (rs566510085, ExAC 0.001%). This variant has not been reported in the literature in individuals affected with DZIP1L-related conditions. Algorithms developed to predict the effect of missense changes on protein structure and function (SIFT, PolyPhen-2, Align-GVGD) all suggest that this variant is likely to be tolerated. In summary, the available evidence is currently insufficient to determine the role of this variant in disease. Therefore, it has been classified as a Variant of Uncertain Significance.

NM_173543.3(DZIP1L):c.1499G>A (p.Arg500Gln)

Gene: DZIP1L (DAZ interacting zinc finger protein 1 like; minus strand). Cytogenetic location: 3q22.3.
Variant type: single nucleotide variant.
Coding change: c.1499G>A on transcript NM_173543.3 (MANE Select); coding-DNA position 1499, G replaced by A.
Protein change: p.Arg500Gln; replaces arginine 500 with glutamine.
Molecular consequence: missense variant.
Genome position (GRCh38, 1-based): chr3:138,071,759, C>T on the plus strand (G>A on the coding strand, the complement: DZIP1L is on the minus strand). VCF-style: chr3-138071759-C-T. GRCh37 (hg19) VCF-style: chr3-137790601-C-T.
Other names: c.1499G>A, p.Arg500Gln (NM_001170538.1); c.1499G>A (NM_173543.2); short protein forms R500Q.
Identifiers: ClinVar variation 2202059 (VCV002202059.2), dbSNP rs566510085, ClinGen allele CA2634894.